The following is an entry in ClinVar:

ClinVar aggregate classification (germline): Uncertain significance. Review status: criteria provided, multiple submitters, no conflicts (2 of 4 stars). 3 submissions from 3 submitters: Uncertain significance (2). 1 of the submissions does not count toward it. Last evaluated 2025-05-18.

Conditions:
Inborn genetic diseases. Identifiers: MedGen C0950123, MeSH D030342.
GNPTG-mucolipidosis. Also called: MUCOLIPIDOSIS III, COMPLEMENTATION GROUP C; MUCOLIPIDOSIS III, IRANIAN VARIANT FORM; MUCOLIPIDOSIS III, VARIANT FORM; Mucolipidosis type III gamma; ML III GAMMA; ML IIIC. Identifiers: Orphanet 423470, Orphanet 577, MedGen C1854896, MONDO:0009652, OMIM 252605.

Allele frequency attached by ClinVar (database versions not stated): gnomAD 0.00001 and 0.00003; gnomAD exomes 0.00002 and 0.00004; TOPMed 0.00002; ExAC 0.00003.
gnomAD v4.1: 38 of 1,614,036 alleles (0.0024%); highest among the groups gnomAD compares: South Asian, 0.04%; 2 homozygotes.

Submissions (3):

Ambry Genetics
Classification: Uncertain significance for Inborn genetic diseases. Last evaluated: 2025-05-18. Review status: criteria provided, single submitter. Criteria: Ambry Variant Classification Scheme 2023. Collection method: clinical testing. Allele origin: germline.

Labcorp Genetics (formerly Invitae), Labcorp
Classification: Uncertain significance. Last evaluated: 2021-08-24. Review status: criteria provided, single submitter. Criteria: Invitae Variant Classification Sherloc (09022015). Collection method: clinical testing. Allele origin: germline.
Comment: This sequence change replaces threonine with isoleucine at codon 228 of the GNPTG protein (p.Thr228Ile). The threonine residue is weakly conserved and there is a moderate physicochemical difference between threonine and isoleucine. This variant is present in population databases (rs754489307, ExAC 0.02%). This variant has not been reported in the literature in individuals affected with GNPTG-related conditions. Algorithms developed to predict the effect of missense changes on protein structure and function (SIFT, PolyPhen-2, Align-GVGD) all suggest that this variant is likely to be tolerated. In summary, the available evidence is currently insufficient to determine the role of this variant in disease. Therefore, it has been classified as a Variant of Uncertain Significance.

Natera, Inc.
Classification: Uncertain significance for Mucolipidosis III gamma. Last evaluated: 2021-07-01. Review status: no assertion criteria provided. Collection method: clinical testing. Allele origin: germline. Not counted in ClinVar's aggregate classification.

NM_032520.5(GNPTG):c.683C>T (p.Thr228Ile)

Gene: GNPTG (N-acetylglucosamine-1-phosphate transferase subunit gamma; plus strand). Cytogenetic location: 16p13.3.
Variant type: single nucleotide variant.
Coding change: c.683C>T on transcript NM_032520.5 (MANE Select); coding-DNA position 683, C replaced by T.
Protein change: p.Thr228Ile; replaces threonine 228 with isoleucine.
Molecular consequence: missense variant.
Genome position (GRCh38, 1-based): chr16:1,362,684, C>T. VCF-style: chr16-1362684-C-T. GRCh37 (hg19) VCF-style: chr16-1412685-C-T.
Other names: c.683C>T (NM_032520.4); short protein forms T228I.
Identifiers: ClinVar variation 1058954 (VCV001058954.6), dbSNP rs754489307, ClinGen allele CA7807880.